The following is an entry in ClinVar:

ClinVar aggregate classification (germline): Uncertain significance. Review status: criteria provided, multiple submitters, no conflicts (2 of 4 stars). 6 submissions from 5 submitters: Uncertain significance (5). 1 of the submissions does not count toward it. Last evaluated 2025-01-19.

Conditions:
Retinitis pigmentosa (RP). Identifiers: Orphanet 791, MedGen C0035334, MeSH D012174, MONDO:0019200, OMIM 268000. Inheritance: Autosomal dominant, autosomal recessive and X linked inheritance.
Leber congenital amaurosis 3 (LCA3). Also called: SPATA7-Related Retinitis Pigmentosa. Identifiers: MedGen C1858677, MONDO:0011415, OMIM 604232.
SPATA7-related disorder. Also called: SPATA7-related condition; SPATA7-related disorders. Identifiers: MedGen CN239422.

Allele frequency attached by ClinVar (database versions not stated): gnomAD 0.00003 and 0.00004; TOPMed 0.00005; gnomAD exomes 0.00009.
gnomAD v4.1: 120 of 1,559,420 alleles (0.0077%); highest among the groups gnomAD compares: Non-Finnish European, 0.01%; no homozygotes.

Submissions (6):

Women's Health and Genetics/Laboratory Corporation of America, LabCorp
Classification: Uncertain significance. Last evaluated: 2025-01-19. Review status: criteria provided, single submitter. Criteria: LabCorp Variant Classification Summary - May 2015. Collection method: clinical testing. Allele origin: germline.

Blueprint Genetics
Classification: Uncertain significance. Last evaluated: 2024-01-03. Review status: criteria provided, single submitter. Criteria: ACMG Guidelines, 2015. Collection method: clinical testing. Allele origin: germline.

Labcorp Genetics (formerly Invitae), Labcorp
Classification: Uncertain significance for Leber congenital amaurosis 3. Last evaluated: 2022-07-08. Review status: criteria provided, single submitter. Criteria: Invitae Variant Classification Sherloc (09022015). Collection method: clinical testing. Allele origin: germline.
Comment: This sequence change falls in intron 8 of the SPATA7 gene. It does not directly change the encoded amino acid sequence of the SPATA7 protein. It affects a nucleotide within the consensus splice site. This variant is present in population databases (rs368848333, gnomAD 0.006%). This variant has not been reported in the literature in individuals affected with SPATA7-related conditions. ClinVar contains an entry for this variant (Variation ID: 887943). Variants that disrupt the consensus splice site are a relatively common cause of aberrant splicing (PMID: 17576681, 9536098). Algorithms developed to predict the effect of sequence changes on RNA splicing suggest that this variant is not likely to affect RNA splicing. In summary, the available evidence is currently insufficient to determine the role of this variant in disease. Therefore, it has been classified as a Variant of Uncertain Significance.

Illumina Laboratory Services, Illumina
Classification: Uncertain significance for Leber congenital amaurosis 3. Last evaluated: 2018-01-13. Review status: criteria provided, single submitter. Criteria: ICSL Variant Classification Criteria 13 December 2019. Collection method: clinical testing. Allele origin: germline.

Illumina Laboratory Services, Illumina
Classification: Uncertain significance for Retinitis pigmentosa. Last evaluated: 2018-01-13. Review status: criteria provided, single submitter. Criteria: ICSL Variant Classification Criteria 13 December 2019. Collection method: clinical testing. Allele origin: germline.

PreventionGenetics, part of Exact Sciences
Classification: Likely benign for SPATA7-related condition. Last evaluated: 2020-07-31. Review status: no assertion criteria provided. Collection method: clinical testing. Allele origin: germline. Not counted in ClinVar's aggregate classification.
Comment: This variant is classified as likely benign based on ACMG/AMP sequence variant interpretation guidelines (Richards et al. 2015 PMID: 25741868, with internal and published modifications).

Literature cited by the submitters: PubMed 17576681 (cited by Labcorp Genetics (formerly Invitae), Labcorp); PubMed 9536098 (cited by Labcorp Genetics (formerly Invitae), Labcorp).

NM_018418.5(SPATA7):c.1028+5A>G

Gene: SPATA7 (spermatogenesis associated 7; plus strand). Cytogenetic location: 14q31.3.
Variant type: single nucleotide variant.
Coding change: c.1028+5A>G on transcript NM_018418.5 (MANE Select); 5 bases into the intron after coding-DNA position 1028, A replaced by G.
Molecular consequence: intron variant.
Genome position (GRCh38, 1-based): chr14:88,429,468, A>G. VCF-style: chr14-88429468-A-G. GRCh37 (hg19) VCF-style: chr14-88895812-A-G.
Other names: c.932+5A>G (NM_001040428.4).
Identifiers: ClinVar variation 887943 (VCV000887943.14), dbSNP rs368848333, ClinGen allele CA7298674.